The following is an entry in ClinVar:

NM_006979.3(SLC39A7):c.947G>A (p.Arg316His)

Gene: SLC39A7 (solute carrier family 39 member 7; plus strand). Cytogenetic location: 6p21.32.
Variant type: single nucleotide variant.
Coding change: c.947G>A on transcript NM_006979.3 (MANE Select); coding-DNA position 947, G replaced by A.
Protein change: p.Arg316His; replaces arginine 316 with histidine.
Molecular consequence: missense variant.
Genome position (GRCh38, 1-based): chr6:33,202,916, G>A. VCF-style: chr6-33202916-G-A. GRCh37 (hg19) VCF-style: chr6-33170693-G-A.
Other names: c.947G>A, p.Arg316His (NM_001077516.2); c.572G>A, p.Arg191His (NM_001288777.2); c.947G>A (NM_006979.2); short protein forms R191H, R316H.
Identifiers: ClinVar variation 1349744 (VCV001349744.8), dbSNP rs377606297, ClinGen allele CA3752402.

ClinVar aggregate classification (germline): Uncertain significance. Review status: criteria provided, multiple submitters, no conflicts (2 of 4 stars). 3 submissions from 3 submitters: Uncertain significance (3). Last evaluated 2025-01-06.

Allele frequency attached by ClinVar (database versions not stated): gnomAD 0.00006 and 0.00008; ESP Exome Variant Server 0.00013.
gnomAD v4.1: 142 of 1,610,408 alleles (0.0088%); highest among the groups gnomAD compares: South Asian, 0.026%; no homozygotes.

Submissions (3):

Labcorp Genetics (formerly Invitae), Labcorp
Classification: Uncertain significance. Last evaluated: 2025-01-06. Review status: criteria provided, single submitter. Criteria: Invitae Variant Classification Sherloc (09022015). Collection method: clinical testing. Allele origin: germline.
Comment: This sequence change replaces arginine, which is basic and polar, with histidine, which is basic and polar, at codon 316 of the SLC39A7 protein (p.Arg316His). This variant is present in population databases (rs377606297, gnomAD 0.03%). This variant has not been reported in the literature in individuals affected with SLC39A7-related conditions. ClinVar contains an entry for this variant (Variation ID: 1349744). An algorithm developed to predict the effect of missense changes on protein structure and function (PolyPhen-2) suggests that this variant¬†is likely to be tolerated. In summary, the available evidence is currently insufficient to determine the role of this variant in disease. Therefore, it has been classified as a Variant of Uncertain Significance.

Blueprint Genetics
Classification: Uncertain significance. Last evaluated: 2023-08-08. Review status: criteria provided, single submitter. Criteria: ACMG Guidelines, 2015. Collection method: clinical testing. Allele origin: germline.

Ambry Genetics
Classification: Uncertain significance. Last evaluated: 2023-02-16. Review status: criteria provided, single submitter. Criteria: Ambry Variant Classification Scheme 2023. Collection method: clinical testing. Allele origin: germline.